The following is an entry in ClinVar:

NM_001042492.3(NF1):c.3852A>G (p.Ile1284Met)

Gene: NF1 (neurofibromin 1; plus strand). Cytogenetic location: 17q11.2.
Variant type: single nucleotide variant.
Coding change: c.3852A>G on transcript NM_001042492.3 (MANE Select); coding-DNA position 3852, A replaced by G.
Protein change: p.Ile1284Met; replaces isoleucine 1284 with methionine.
Molecular consequence: missense variant.
Genome position (GRCh38, 1-based): chr17:31,235,754, A>G. VCF-style: chr17-31235754-A-G. GRCh37 (hg19) VCF-style: chr17-29562772-A-G.
Other names: c.3852A>G, p.Ile1284Met (NM_000267.4); short protein forms I1284M.
Identifiers: ClinVar variation 655513 (VCV000655513.5), dbSNP rs1597722650, ClinGen allele CA398992857.

ClinVar aggregate classification (germline): Uncertain significance (1 of 4 stars; one submission).

Conditions:
Neurofibromatosis, type 1 (NF1). Also called: VON RECKLINGHAUSEN DISEASE; NEUROFIBROMATOSIS, TYPE I, SOMATIC; Peripheral type neurofibromatosis; Neurofibromatosis, type I. Identifiers: Orphanet 636, MedGen C0027831, MONDO:0018975, OMIM 162200. Disease mechanism: loss of function.

Submission:

Labcorp Genetics (formerly Invitae), Labcorp
Classification: Uncertain significance for Neurofibromatosis, type 1. Last evaluated: 2020-02-27. Review status: criteria provided, single submitter. Criteria: Invitae Variant Classification Sherloc (09022015). Collection method: clinical testing. Allele origin: germline.
Comment: In summary, the available evidence is currently insufficient to determine the role of this variant in disease. Therefore, it has been classified as a Variant of Uncertain Significance. This sequence change replaces isoleucine with methionine at codon 1284 of the NF1 protein (p.Ile1284Met). The isoleucine residue is moderately conserved and there is a small physicochemical difference between isoleucine and methionine. This variant is not present in population databases (ExAC no frequency). This variant has not been reported in the literature in individuals with NF1-related conditions. Algorithms developed to predict the effect of missense changes on protein structure and function are either unavailable or do not agree on the potential impact of this missense change (SIFT: "Tolerated"; PolyPhen-2: "Possibly Damaging"; Align-GVGD: "Class C0").